The following is an entry in ClinVar:

ClinVar aggregate classification (germline): Uncertain significance (1 of 4 stars; one submission).

Submission:

Labcorp Genetics (formerly Invitae), Labcorp
Classification: Uncertain significance. Last evaluated: 2024-07-24. Review status: criteria provided, single submitter. Criteria: Invitae Variant Classification Sherloc (09022015). Collection method: clinical testing. Allele origin: germline.
Comment: This sequence change creates a premature translational stop signal (p.Gln58*) in the IRF2BP2 gene. It is expected to result in an absent or disrupted protein product. However, the current clinical and genetic evidence is not sufficient to establish whether loss-of-function variants in IRF2BP2 cause disease. This variant is not present in population databases (gnomAD no frequency). This variant has not been reported in the literature in individuals affected with IRF2BP2-related conditions. ClinVar contains an entry for this variant (Variation ID: 1500306). In summary, the available evidence is currently insufficient to determine the role of this variant in disease. Therefore, it has been classified as a Variant of Uncertain Significance.

NM_182972.3(IRF2BP2):c.172C>T (p.Gln58Ter)

Gene: IRF2BP2 (interferon regulatory factor 2 binding protein 2; minus strand). Cytogenetic location: 1q42.3.
Variant type: single nucleotide variant.
Coding change: c.172C>T on transcript NM_182972.3 (MANE Select); coding-DNA position 172, C replaced by T.
Protein change: p.Gln58Ter; replaces glutamine 58 with a stop codon.
Molecular consequence: nonsense.
Genome position (GRCh38, 1-based): chr1:234,609,323, G>A on the plus strand (C>T on the coding strand, the complement: IRF2BP2 is on the minus strand). VCF-style: chr1-234609323-G-A. GRCh37 (hg19) VCF-style: chr1-234745069-G-A.
Other names: c.172C>T, p.Gln58Ter (NM_001077397.1); short protein forms Q58*.
Identifiers: ClinVar variation 1500306 (VCV001500306.6), dbSNP rs2102770327, ClinGen allele CA345311732.